The following is an entry in ClinVar:

NM_031964.2(KRTAP17-1):c.129C>T (p.Cys43=)

Gene: KRTAP17-1 (keratin associated protein 17-1). Cytogenetic location: 17q21.2.
Variant type: single nucleotide variant.
Coding change: c.129C>T on transcript NM_031964.2 (MANE Select); coding-DNA position 129, C replaced by T.
Protein change: p.Cys43=; no amino-acid change (cysteine 43 retained).
Molecular consequence: synonymous variant.
Genome position (GRCh38, 1-based): chr17:41,315,522, G>A on the plus strand (C>T on the coding strand, the complement: KRTAP17-1 is on the minus strand). VCF-style: chr17-41315522-G-A. GRCh37 (hg19) VCF-style: chr17-39471774-G-A.
Identifiers: ClinVar variation 4083564 (VCV004083564.8).

ClinVar aggregate classification (germline): Likely benign (1 of 4 stars; one submission).

gnomAD v4.1: 16 of 1,570,216 alleles (0.001%); highest among the groups gnomAD compares: East Asian, 0.0023%; no homozygotes.

Submission:

CeGaT Center for Human Genetics Tuebingen
Classification: Likely benign. Last evaluated: 2025-07-01. Review status: criteria provided, single submitter. Criteria: CeGaT Center For Human Genetics Tuebingen Variant Classification Criteria Version 2. Collection method: clinical testing. Allele origin: germline. Affected: yes. Observed: 1 variant allele.
Comment: KRTAP17-1: BP4, BP7